The following is an entry in ClinVar:

NM_001999.4(FBN2):c.7796G>A (p.Cys2599Tyr)

Gene: FBN2 (fibrillin 2; minus strand). Cytogenetic location: 5q23.3.
Variant type: single nucleotide variant.
Coding change: c.7796G>A on transcript NM_001999.4 (MANE Select); coding-DNA position 7796, G replaced by A.
Protein change: p.Cys2599Tyr; replaces cysteine 2599 with tyrosine.
Molecular consequence: missense variant.
Genome position (GRCh38, 1-based): chr5:128,273,884, C>T on the plus strand (G>A on the coding strand, the complement: FBN2 is on the minus strand). VCF-style: chr5-128273884-C-T. GRCh37 (hg19) VCF-style: chr5-127609576-C-T.
Other names: short protein forms C2599Y.
Identifiers: ClinVar variation 519862 (VCV000519862.5), dbSNP rs1554116599, ClinGen allele CA360752528.

ClinVar aggregate classification (germline): Uncertain significance (1 of 4 stars; one submission).

Conditions:
Familial thoracic aortic aneurysm and aortic dissection (TAAD). Also called: Thoracic aortic aneurysms and dissections. Identifiers: Orphanet 91387, MedGen C4707243, MONDO:0019625.

Allele frequency attached by ClinVar (database versions not stated): TOPMed below 0.00001.

Submission:

Ambry Genetics
Classification: Uncertain significance for Familial thoracic aortic aneurysm and aortic dissection. Last evaluated: 2017-09-13. Review status: criteria provided, single submitter. Criteria: Ambry Variant Classification Scheme 2023. Collection method: clinical testing. Allele origin: germline.
Comment: The p.C2599Y variant (also known as c.7796G>A), located in coding exon 61 of the FBN2 gene, results from a G to A substitution at nucleotide position 7796. The cysteine at codon 2599 is replaced by tyrosine, an amino acid with highly dissimilar properties, and is located in a cbEGF-like domain. This amino acid position is highly conserved in available vertebrate species. In addition, this alteration is predicted to be deleterious by in silico analysis. Since supporting evidence is limited at this time, the clinical significance of this alteration remains unclear.